The following is an entry in ClinVar:

ClinVar aggregate classification (germline): Benign. Review status: criteria provided, multiple submitters, no conflicts (2 of 4 stars). 2 submissions from 2 submitters: Benign (2). Last evaluated 2024-07-15.

Allele frequency attached by ClinVar (database versions not stated): 1000 Genomes Project 0.43890; 1000 Genomes Project 30x 0.44519; TOPMed 0.46006; gnomAD 0.47267 and 0.47763; gnomAD exomes 0.47371.
gnomAD v4.1: 684,829 of 1,446,110 alleles (47%); highest among the groups gnomAD compares: African/African-American, 52%; 165,862 homozygotes.

Submissions (2):

Unidad de Genómica Garrahan, Hospital de Pediatría Garrahan
Classification: Benign. Last evaluated: 2024-07-15. Review status: criteria provided, single submitter. Criteria: ACMG Guidelines, 2015. Collection method: clinical testing. Allele origin: germline. Affected: no. Observed: 50 variant alleles.
Comment: This variant is classified as Benign based on local population frequency. This variant was detected in 54% of patients studied in a panel designed for Epileptic and Developmental Encephalopathy and Progressive Myoclonus Epilepsy. Number of patients: 50. Only high quality variants are reported.

GeneDx
Classification: Benign. Last evaluated: 2018-07-15. Review status: criteria provided, single submitter. Criteria: GeneDx Variant Classification Process June 2021. Collection method: clinical testing. Allele origin: germline. Affected: yes.

NM_001080.3(ALDH5A1):c.610-67A>G

Gene: ALDH5A1 (aldehyde dehydrogenase 5 family member A1; plus strand). Cytogenetic location: 6p22.3.
Variant type: single nucleotide variant.
Coding change: c.610-67A>G on transcript NM_001080.3 (MANE Select); 67 bases into the intron before coding-DNA position 610, A replaced by G.
Molecular consequence: intron variant.
Genome position (GRCh38, 1-based): chr6:24,504,802, A>G. VCF-style: chr6-24504802-A-G. GRCh37 (hg19) VCF-style: chr6-24505030-A-G.
Other names: c.610-67A>G (NM_170740.1, NM_001368954.1).
Identifiers: ClinVar variation 1276070 (VCV001276070.3), dbSNP rs2744583, ClinGen allele CA12228247.